The following is an entry in ClinVar:

ClinVar aggregate classification (germline): Uncertain significance (1 of 4 stars; one submission).

Allele frequency attached by ClinVar (database versions not stated): gnomAD exomes below 0.00001.
gnomAD v4.1: 1 of 1,614,066 alleles (0.000062%); highest among the groups gnomAD compares: Admixed American, 0.0017%; no homozygotes.

Submission:

Labcorp Genetics (formerly Invitae), Labcorp
Classification: Uncertain significance. Last evaluated: 2023-02-08. Review status: criteria provided, single submitter. Criteria: Invitae Variant Classification Sherloc (09022015). Collection method: clinical testing. Allele origin: germline.
Comment: Advanced modeling of protein sequence and biophysical properties (such as structural, functional, and spatial information, amino acid conservation, physicochemical variation, residue mobility, and thermodynamic stability) performed at Invitae indicates that this missense variant is expected to disrupt CLCN2 protein function. This sequence change replaces serine, which is neutral and polar, with glycine, which is neutral and non-polar, at codon 198 of the CLCN2 protein (p.Ser198Gly). This variant is present in population databases (no rsID available, gnomAD 0.003%). This variant has not been reported in the literature in individuals affected with CLCN2-related conditions. In summary, the available evidence is currently insufficient to determine the role of this variant in disease. Therefore, it has been classified as a Variant of Uncertain Significance.

NM_004366.6(CLCN2):c.592A>G (p.Ser198Gly)

Gene: CLCN2 (chloride voltage-gated channel 2; minus strand). Cytogenetic location: 3q27.1.
Variant type: single nucleotide variant.
Coding change: c.592A>G on transcript NM_004366.6 (MANE Select); coding-DNA position 592, A replaced by G.
Protein change: p.Ser198Gly; replaces serine 198 with glycine.
Molecular consequence: missense variant.
Genome position (GRCh38, 1-based): chr3:184,357,985, T>C on the plus strand (A>G on the coding strand, the complement: CLCN2 is on the minus strand). VCF-style: chr3-184357985-T-C. GRCh37 (hg19) VCF-style: chr3-184075773-T-C.
Other names: c.592A>G, p.Ser198Gly (NM_001171087.3, NM_001171089.3); c.460A>G, p.Ser154Gly (NM_001171088.3); short protein forms S198G, S154G.
Identifiers: ClinVar variation 2835527 (VCV002835527.3), dbSNP rs1214048963, ClinGen allele CA355456648.
Genomic context (GRCh38, chr3:184,357,985, plus strand): 5'-CCAGGAGGGACTCCTTCATTCCCCAGCCTGCAGTTACCTCTTTGCCAAGCGGCATCCCGC[T>C]GCCTAGGGCGCAGGTCAGCCCAATGACCTTAGCTATAAAGGTCTTGAGTGTGAGGTATTC-3'
Protein context (NP_004357.3, residues 188-208): KVIGLTCALG[Ser198Gly]GMPLGKEGPF